The following is an entry in ClinVar:

ClinVar aggregate classification (germline): Uncertain significance. Review status: criteria provided, multiple submitters, no conflicts (2 of 4 stars). 2 submissions from 2 submitters: Uncertain significance (2). Last evaluated 2025-01-21.

Conditions:
Inborn genetic diseases. Identifiers: MedGen C0950123, MeSH D030342.
Combined malonic and methylmalonic acidemia. Identifiers: Orphanet 289504, MedGen C3280314, MONDO:0013661, OMIM 614265.

Allele frequency attached by ClinVar (database versions not stated): ExAC 0.00007; TOPMed 0.00001; gnomAD 0.00005.
gnomAD v4.1: 62 of 1,613,818 alleles (0.0038%); highest among the groups gnomAD compares: South Asian, 0.036%; no homozygotes.

Submissions (2):

Ambry Genetics
Classification: Uncertain significance for Inborn genetic diseases. Last evaluated: 2025-01-21. Review status: criteria provided, single submitter. Criteria: Ambry Variant Classification Scheme 2023. Collection method: clinical testing. Allele origin: germline.

Labcorp Genetics (formerly Invitae), Labcorp
Classification: Uncertain significance for Combined malonic and methylmalonic acidemia. Last evaluated: 2022-07-27. Review status: criteria provided, single submitter. Criteria: Invitae Variant Classification Sherloc (09022015). Collection method: clinical testing. Allele origin: germline.
Comment: This sequence change replaces threonine, which is neutral and polar, with methionine, which is neutral and non-polar, at codon 67 of the ACSF3 protein (p.Thr67Met). This variant is present in population databases (rs771946908, gnomAD 0.03%). This variant has not been reported in the literature in individuals affected with ACSF3-related conditions. Algorithms developed to predict the effect of missense changes on protein structure and function are either unavailable or do not agree on the potential impact of this missense change (SIFT: "Deleterious"; PolyPhen-2: "Probably Damaging"; Align-GVGD: "Class C15"). In summary, the available evidence is currently insufficient to determine the role of this variant in disease. Therefore, it has been classified as a Variant of Uncertain Significance.

NM_001243279.3(ACSF3):c.200C>T (p.Thr67Met)

Gene: ACSF3 (acyl-CoA synthetase family member 3; plus strand). Cytogenetic location: 16q24.3.
Variant type: single nucleotide variant.
Coding change: c.200C>T on transcript NM_001243279.3 (MANE Select); coding-DNA position 200, C replaced by T.
Protein change: p.Thr67Met; replaces threonine 67 with methionine.
Molecular consequence: missense variant. On other transcripts: non-coding transcript variant (3), intron variant (1).
Genome position (GRCh38, 1-based): chr16:89,100,881, C>T. VCF-style: chr16-89100881-C-T. GRCh37 (hg19) VCF-style: chr16-89167289-C-T.
Other names: c.200C>T, p.Thr67Met (NM_001127214.4, NM_174917.5); c.-129-1723C>T (NM_001284316.2); c.200C>T (NM_174917.3); short protein forms T67M.
Identifiers: ClinVar variation 2148732 (VCV002148732.2), dbSNP rs771946908, ClinGen allele CA8237572.